The following is an entry in ClinVar:

NM_000088.4(COL1A1):c.1379dup (p.Gly461fs)

Gene: COL1A1 (collagen type I alpha 1 chain; minus strand). Cytogenetic location: 17q21.33.
Variant type: Duplication.
Coding change: c.1379dup on transcript NM_000088.4 (MANE Select); coding-DNA position 1379, one base duplicated (C; older notation c.1379dupC).
Protein change: p.Gly461fs; shifts the reading frame from glycine 461.
Molecular consequence: frameshift variant.
Genome position (GRCh38, 1-based): chr17:50,194,803, G duplicated on the plus strand (C on the coding strand, the reverse complement: COL1A1 is on the minus strand); the first of 5 consecutive G bases (chr17:50,194,803-50,194,807); duplicating any one gives the same sequence. VCF-style (leftmost placement, unchanged base first): chr17-50194802-A-AG. GRCh37 (hg19) VCF-style: chr17-48272163-A-AG.
Other names: c.1379dup (NM_000088.3); short protein forms G461fs.
Identifiers: ClinVar variation 4083408 (VCV004083408.1).

ClinVar aggregate classification (germline): Pathogenic (1 of 4 stars; one submission).

Submission:

GeneDx
Classification: Pathogenic. Last evaluated: 2025-03-14. Review status: criteria provided, single submitter. Criteria: GeneDx Variant Classification Process June 2021. Collection method: clinical testing. Allele origin: germline. Affected: yes.
Comment: Frameshift variant predicted to result in protein truncation or nonsense mediated decay in a gene for which loss of function is a known mechanism of disease; Not observed at significant frequency in large population cohorts (gnomAD); This variant is associated with the following publications: (PMID: 16786509)